The following is an entry in ClinVar:

NM_005228.5(EGFR):c.821C>T (p.Thr274Met)

Gene: EGFR (epidermal growth factor receptor; plus strand). Cytogenetic location: 7p11.2.
Variant type: single nucleotide variant.
Coding change: c.821C>T on transcript NM_005228.5 (MANE Select); coding-DNA position 821, C replaced by T.
Protein change: p.Thr274Met; replaces threonine 274 with methionine.
Molecular consequence: missense variant. On other transcripts: intron variant (1).
Genome position (GRCh38, 1-based): chr7:55,154,084, C>T. VCF-style: chr7-55154084-C-T. GRCh37 (hg19) VCF-style: chr7-55221777-C-T.
Other names: c.686C>T, p.Thr229Met (NM_001346897.2, NM_001346899.2); c.821C>T, p.Thr274Met (NM_001346898.2, NM_201282.2, NM_201283.2 and 1 more transcripts); c.662C>T, p.Thr221Met (NM_001346900.2); c.89-1746C>T (NM_001346941.2); short protein forms T221M, T229M, T274M.
Identifiers: ClinVar variation 863487 (VCV000863487.7), dbSNP rs966001143, ClinGen allele CA158912216.

ClinVar aggregate classification (germline): Uncertain significance. Review status: criteria provided, multiple submitters, no conflicts (2 of 4 stars). 2 submissions from 2 submitters: Uncertain significance (2). Last evaluated 2026-01-13.

Conditions:
EGFR-related lung cancer (EGFR). Identifiers: MedGen CN130014.
Hereditary cancer-predisposing syndrome. Also called: Hereditary Cancer Syndrome; Tumor predisposition; Neoplastic Syndromes, Hereditary; Hereditary neoplastic syndrome. Identifiers: Orphanet 140162, MedGen C0027672, MeSH D009386, MONDO:0015356.

Allele frequency attached by ClinVar (database versions not stated): TOPMed below 0.00001; gnomAD 0.00001; gnomAD exomes 0.00001.
gnomAD v4.1: 12 of 1,614,134 alleles (0.00074%); highest among the groups gnomAD compares: South Asian, 0.0011%; no homozygotes.

Submissions (2):

Labcorp Genetics (formerly Invitae), Labcorp
Classification: Uncertain significance for EGFR-related lung cancer. Last evaluated: 2026-01-13. Review status: criteria provided, single submitter. Criteria: Invitae Variant Classification Sherloc (09022015). Collection method: clinical testing. Allele origin: germline.
Comment: This sequence change replaces threonine, which is neutral and polar, with methionine, which is neutral and non-polar, at codon 274 of the EGFR protein (p.Thr274Met). This variant is not present in population databases (gnomAD no frequency). This variant has not been reported in the literature in individuals affected with EGFR-related conditions. ClinVar contains an entry for this variant (Variation ID: 863487). Invitae Evidence Modeling of protein sequence and biophysical properties (such as structural, functional, and spatial information, amino acid conservation, physicochemical variation, residue mobility, and thermodynamic stability) indicates that this missense variant is not expected to disrupt EGFR protein function with a negative predictive value of 80%. In summary, the available evidence is currently insufficient to determine the role of this variant in disease. Therefore, it has been classified as a Variant of Uncertain Significance.

Ambry Genetics
Classification: Uncertain significance for Hereditary cancer-predisposing syndrome. Last evaluated: 2024-12-11. Review status: criteria provided, single submitter. Criteria: Ambry Variant Classification Scheme 2023. Collection method: clinical testing. Allele origin: germline.
Comment: The p.T274M variant (also known as c.821C>T), located in coding exon 7 of the EGFR gene, results from a C to T substitution at nucleotide position 821. The threonine at codon 274 is replaced by methionine, an amino acid with similar properties. This amino acid position is not well conserved in available vertebrate species. In addition, the in silico prediction for this alteration is inconclusive. Based on the available evidence, the clinical significance of this variant remains unclear.